The following is an entry in ClinVar:

NM_020745.4(AARS2):c.1832G>A (p.Arg611Gln)

Gene: AARS2 (alanyl-tRNA synthetase 2, mitochondrial; minus strand). Cytogenetic location: 6p21.1.
Variant type: single nucleotide variant.
Coding change: c.1832G>A on transcript NM_020745.4 (MANE Select); coding-DNA position 1832, G replaced by A.
Protein change: p.Arg611Gln; replaces arginine 611 with glutamine.
Molecular consequence: missense variant.
Genome position (GRCh38, 1-based): chr6:44,304,454, C>T on the plus strand (G>A on the coding strand, the complement: AARS2 is on the minus strand). VCF-style: chr6-44304454-C-T. GRCh37 (hg19) VCF-style: chr6-44272191-C-T.
Other names: p.R611Q:CGG>CAG; short protein forms R611Q.
Identifiers: ClinVar variation 213957 (VCV000213957.6), dbSNP rs150402972, ClinGen allele CA324802.

ClinVar aggregate classification (germline): Conflicting classifications of pathogenicity. Review status: criteria provided, conflicting classifications (1 of 4 stars). 2 submissions from 2 submitters: Uncertain significance (1); Likely benign (1). Last evaluated 2022-07-25.

Allele frequency attached by ClinVar (database versions not stated): gnomAD 0.00006 and 0.00007; TOPMed 0.00006; ESP Exome Variant Server 0.00015; 1000 Genomes Project 30x 0.00016; 1000 Genomes Project 0.00020.
gnomAD v4.1: 116 of 1,614,180 alleles (0.0072%); highest among the groups gnomAD compares: Non-Finnish European, 0.009%; no homozygotes.

Submissions (2):

Labcorp Genetics (formerly Invitae), Labcorp
Classification: Uncertain significance. Last evaluated: 2022-07-25. Review status: criteria provided, single submitter. Criteria: Invitae Variant Classification Sherloc (09022015). Collection method: clinical testing. Allele origin: germline.
Comment: In summary, the available evidence is currently insufficient to determine the role of this variant in disease. Therefore, it has been classified as a Variant of Uncertain Significance. Advanced modeling of protein sequence and biophysical properties (such as structural, functional, and spatial information, amino acid conservation, physicochemical variation, residue mobility, and thermodynamic stability) performed at Invitae indicates that this missense variant is not expected to disrupt AARS2 protein function. ClinVar contains an entry for this variant (Variation ID: 213957). This variant has not been reported in the literature in individuals affected with AARS2-related conditions. This variant is present in population databases (rs150402972, gnomAD 0.02%). This sequence change replaces arginine, which is basic and polar, with glutamine, which is neutral and polar, at codon 611 of the AARS2 protein (p.Arg611Gln).

GeneDx
Classification: Likely benign. Last evaluated: 2012-11-16. Review status: criteria provided, single submitter. Criteria: GeneDx Variant Classification (06012015). Collection method: clinical testing. Allele origin: germline. Affected: yes.
Comment: This variant is considered likely benign or benign based on one or more of the following criteria: it is a conservative change, it occurs at a poorly conserved position in the protein, it is predicted to be benign by multiple in silico algorithms, and/or has population frequency not consistent with disease.